The following is an entry in ClinVar:

ClinVar aggregate classification (germline): Uncertain significance (1 of 4 stars; one submission).

Conditions:
Isolated neonatal sclerosing cholangitis (NSC). Also called: Sclerosing cholangitis, neonatal. Identifiers: Orphanet 480556, MedGen C4479344, MONDO:0018816, OMIM 617394.
Autosomal recessive nonsyndromic hearing loss 66 (DFNB66). Also called: Deafness, autosomal recessive 66. Identifiers: Orphanet 90636, MedGen C1857750, MONDO:0012442, OMIM 610212.

Submission:

Labcorp Genetics (formerly Invitae), Labcorp
Classification: Uncertain significance for Autosomal recessive nonsyndromic hearing loss 66; Isolated neonatal sclerosing cholangitis. Last evaluated: 2025-02-16. Review status: criteria provided, single submitter. Criteria: Invitae Variant Classification Sherloc (09022015). Collection method: clinical testing. Allele origin: germline.
Comment: This sequence change replaces alanine, which is neutral and non-polar, with glycine, which is neutral and non-polar, at codon 93 of the DCDC2 protein (p.Ala93Gly). This variant is not present in population databases (gnomAD no frequency). This variant has not been reported in the literature in individuals affected with DCDC2-related conditions. Invitae Evidence Modeling of protein sequence and biophysical properties (such as structural, functional, and spatial information, amino acid conservation, physicochemical variation, residue mobility, and thermodynamic stability) indicates that this missense variant is not expected to disrupt DCDC2 protein function with a negative predictive value of 80%. In summary, the available evidence is currently insufficient to determine the role of this variant in disease. Therefore, it has been classified as a Variant of Uncertain Significance.

NM_016356.5(DCDC2):c.278C>G (p.Ala93Gly)

Genes: DCDC2 (doublecortin domain containing 2; minus strand), KAAG1 (kidney associated DCDC2 antisense RNA 1; plus strand). Cytogenetic location: 6p22.3.
Variant type: single nucleotide variant.
Coding change: c.278C>G on transcript NM_016356.5 (MANE Select); coding-DNA position 278, C replaced by G.
Protein change: p.Ala93Gly; replaces alanine 93 with glycine.
Molecular consequence: missense variant. On other transcripts: non-coding transcript variant (1).
Genome position (GRCh38, 1-based): chr6:24,357,473, G>C on the plus strand (C>G on the coding strand, the complement: DCDC2 is on the minus strand). VCF-style: chr6-24357473-G-C. GRCh37 (hg19) VCF-style: chr6-24357701-G-C.
Other names: c.278C>G, p.Ala93Gly (NM_001195610.2); short protein forms A93G.
Identifiers: ClinVar variation 4783392 (VCV004783392.1).